The following is an entry in ClinVar:

NM_032122.5(DTNBP1):c.161+5G>A

Gene: DTNBP1 (dystrobrevin binding protein 1; minus strand). Cytogenetic location: 6p22.3.
Variant type: single nucleotide variant.
Coding change: c.161+5G>A on transcript NM_032122.5 (MANE Select); 5 bases into the intron after coding-DNA position 161, G replaced by A.
Molecular consequence: intron variant.
Genome position (GRCh38, 1-based): chr6:15,651,308, C>T on the plus strand (G>A on the coding strand, the complement: DTNBP1 is on the minus strand). VCF-style: chr6-15651308-C-T. GRCh37 (hg19) VCF-style: chr6-15651539-C-T.
Other names: c.56+11506G>A (NM_001271669.2); c.110+779G>A (NM_001271668.2); c.-83+5G>A (NM_001271667.2); c.161+5G>A (NM_183040.2).
Identifiers: ClinVar variation 1942839 (VCV001942839.4), dbSNP rs1383982285, ClinGen allele CA821260783.
Genomic context (GRCh38, chr6:15,651,308, plus strand): 5'-AAAAGATATTTTTGGTCAGTAAAAAAGTCAGAAGTATAACCTTCCTCTACAAATGAAACA[C>T]TTACCTGCTAAGTAATTCTAATCCAGCAGAGTACTTTGGCAAAAATGGAACAGTCCTGCC-3'

ClinVar aggregate classification (germline): Uncertain significance (1 of 4 stars; one submission).

Allele frequency attached by ClinVar (database versions not stated): gnomAD exomes below 0.00001; gnomAD 0.00001.
gnomAD v4.1: 4 of 1,611,154 alleles (0.00025%); highest among the groups gnomAD compares: African/African-American, 0.004%; no homozygotes.

Submission:

Labcorp Genetics (formerly Invitae), Labcorp
Classification: Uncertain significance. Last evaluated: 2022-04-04. Review status: criteria provided, single submitter. Criteria: Invitae Variant Classification Sherloc (09022015). Collection method: clinical testing. Allele origin: germline.
Comment: This variant has not been reported in the literature in individuals affected with DTNBP1-related conditions. This variant is not present in population databases (gnomAD no frequency). This sequence change falls in intron 3 of the DTNBP1 gene. It does not directly change the encoded amino acid sequence of the DTNBP1 protein. It affects a nucleotide within the consensus splice site. Variants that disrupt the consensus splice site are a relatively common cause of aberrant splicing (PMID: 17576681, 9536098). Algorithms developed to predict the effect of sequence changes on RNA splicing suggest that this variant may disrupt the consensus splice site. In summary, the available evidence is currently insufficient to determine the role of this variant in disease. Therefore, it has been classified as a Variant of Uncertain Significance.

Literature cited by the submitters: PubMed 17576681; PubMed 9536098.